The following is an entry in ClinVar:

NM_000053.4(ATP7B):c.1870-49A>G

Gene: ATP7B (ATPase copper transporting beta; minus strand). Cytogenetic location: 13q14.3.
Variant type: single nucleotide variant.
Coding change: c.1870-49A>G on transcript NM_000053.4 (MANE Select); 49 bases into the intron before coding-DNA position 1870, A replaced by G.
Molecular consequence: intron variant.
Genome position (GRCh38, 1-based): chr13:51,961,962, T>C on the plus strand (A>G on the coding strand, the complement: ATP7B is on the minus strand). VCF-style: chr13-51961962-T-C. GRCh37 (hg19) VCF-style: chr13-52536098-T-C.
Other names: c.1869+2910A>G (NM_001406541.1, NM_001406531.1, NM_001406532.1 and 5 more transcripts); c.1870-49A>G (NM_001406527.1, NM_001406537.1, NM_001406521.1 and 16 more transcripts); c.1773+2910A>G (NM_001406543.1, NM_001406544.1); c.1537-49A>G (NM_001243182.2); c.1286-11801A>G (NM_001406548.1); c.1837-49A>G (NM_001406524.1, NM_001406514.1); c.1708-4355A>G (NM_001406547.1, NM_001406545.1); c.1774-49A>G (NM_001406518.1, NM_001406536.1, NM_001406530.1 and 1 more transcripts); and 1 more.
Identifiers: ClinVar variation 3366750 (VCV003366750.1).

ClinVar aggregate classification (germline): Uncertain significance (1 of 4 stars; one submission).

gnomAD v4.1: 1 of 1,502,120 alleles (0.000067%); highest among the groups gnomAD compares: Non-Finnish European, 0.000093%; no homozygotes.

Submission:

Women's Health and Genetics/Laboratory Corporation of America, LabCorp
Classification: Uncertain significance. Last evaluated: 2024-08-16. Review status: criteria provided, single submitter. Criteria: LabCorp Variant Classification Summary - May 2015. Collection method: clinical testing. Allele origin: germline.
Comment: Variant summary: ATP7B c.1870-49A>G is located at a position not widely known to affect splicing. Consensus agreement among computation tools predict no significant impact on normal splicing. At least one publication reports experimental evidence that this variant affects mRNA splicing, resulting in exon skipping (Xu_2023). The variant allele was found at a frequency of 4e-06 in 247674 control chromosomes (gnomAD). c.1870-49A>G has been reported in the literature in an individual affected with Wilson Disease (Xu_2023). These data do not allow any conclusion about variant significance. The following publication has been ascertained in the context of this evaluation (PMID: 36343861). No submitters have cited clinical-significance assessments for this variant to ClinVar. Based on the evidence outlined above, the variant was classified as VUS-possibly pathogenic.

Literature cited by the submitters: PubMed 36343861.